The following is an entry in ClinVar:

NM_022552.5(DNMT3A):c.1727T>A (p.Ile576Asn)

Gene: DNMT3A (DNA methyltransferase 3 alpha; minus strand). Cytogenetic location: 2p23.3.
Variant type: single nucleotide variant.
Coding change: c.1727T>A on transcript NM_022552.5 (MANE Select); coding-DNA position 1727, T replaced by A.
Protein change: p.Ile576Asn; replaces isoleucine 576 with asparagine.
Molecular consequence: missense variant. On other transcripts: non-coding transcript variant (1).
Genome position (GRCh38, 1-based): chr2:25,244,279, A>T on the plus strand (T>A on the coding strand, the complement: DNMT3A is on the minus strand). VCF-style: chr2-25244279-A-T. GRCh37 (hg19) VCF-style: chr2-25467148-A-T.
Other names: c.1271T>A, p.Ile424Asn (NM_001320893.1); c.1058T>A, p.Ile353Asn (NM_001375819.1); c.1160T>A, p.Ile387Asn (NM_153759.3); c.1727T>A, p.Ile576Asn (NM_175629.2); short protein forms I387N, I576N, I424N, I353N.
Identifiers: ClinVar variation 4617779 (VCV004617779.1).

ClinVar aggregate classification (germline): Uncertain significance (1 of 4 stars; one submission).

Conditions:
Inborn genetic diseases. Identifiers: MedGen C0950123, MeSH D030342.

gnomAD v4.1: 1 of 1,613,266 alleles (0.000062%); highest among the groups gnomAD compares: Non-Finnish European, 0.000085%; no homozygotes.

Submission:

Ambry Genetics
Classification: Uncertain significance for Inborn genetic diseases. Last evaluated: 2025-11-17. Review status: criteria provided, single submitter. Criteria: Ambry Variant Classification Scheme 2023. Collection method: clinical testing. Allele origin: germline.
Comment: The p.I576N variant (also known as c.1727T>A), located in coding exon 14 of the DNMT3A gene, results from a T to A substitution at nucleotide position 1727. The isoleucine at codon 576 is replaced by asparagine, an amino acid with dissimilar properties. This amino acid position is conserved. In addition, this alteration is predicted to be deleterious by in silico analysis. Based on the available evidence, the clinical significance of this variant remains unclear.